The following is an entry in ClinVar:

ClinVar aggregate classification (germline): Uncertain significance (1 of 4 stars; one submission).

gnomAD v4.1: 6 of 1,583,136 alleles (0.00038%); highest among the groups gnomAD compares: Non-Finnish European, 0.00051%; no homozygotes.

Submission:

Labcorp Genetics (formerly Invitae), Labcorp
Classification: Uncertain significance. Last evaluated: 2025-10-09. Review status: criteria provided, single submitter. Criteria: Invitae Variant Classification Sherloc (09022015). Collection method: clinical testing. Allele origin: germline.
Comment: This sequence change replaces glutamine, which is neutral and polar, with arginine, which is basic and polar, at codon 27 of the RNF31 protein (p.Gln27Arg). This variant is not present in population databases (gnomAD no frequency). This variant has not been reported in the literature in individuals affected with RNF31-related conditions. An algorithm developed to predict the effect of missense changes on protein structure and function outputs the following: PolyPhen-2: "Benign". The arginine amino acid residue is found in multiple mammalian species, which suggests that this missense change does not adversely affect protein function. In summary, the available evidence is currently insufficient to determine the role of this variant in disease. Therefore, it has been classified as a Variant of Uncertain Significance.

NM_017999.5(RNF31):c.80A>G (p.Gln27Arg)

Gene: RNF31 (ring finger protein 31; plus strand). Cytogenetic location: 14q12.
Variant type: single nucleotide variant.
Coding change: c.80A>G on transcript NM_017999.5 (MANE Select); coding-DNA position 80, A replaced by G.
Protein change: p.Gln27Arg; replaces glutamine 27 with arginine.
Molecular consequence: missense variant. On other transcripts: intron variant (1).
Genome position (GRCh38, 1-based): chr14:24,147,778, A>G. VCF-style: chr14-24147778-A-G. GRCh37 (hg19) VCF-style: chr14-24616987-A-G.
Other names: c.-325-198A>G (NM_001310332.2); short protein forms Q27R.
Identifiers: ClinVar variation 4776621 (VCV004776621.1).
Genomic context (GRCh38, chr14:24,147,778, plus strand): 5'-AGCGGGCCTTCCTGGTGGCCCGCGAGGAGCTGGCGAGCGCCCTGAGGAGGGATTCCGGGC[A>G]GGCGTTTTCCCTGGAGCAGCTCCGGCCGCTACTAGCCAGCTCTCTGCCGCTAGCCGCCCG-3'
Protein context (NP_060469.4, residues 17-37): LASALRRDSG[Gln27Arg]AFSLEQLRPL